The following is an entry in ClinVar:

ClinVar aggregate classification (germline): Uncertain significance (1 of 4 stars; one submission).

Conditions:
Nemaline myopathy 2 (NEM2). Also called: Nemaline myopathy 2, autosomal recessive. Identifiers: MedGen C1850569, MONDO:0009725, OMIM 256030.

Allele frequency attached by ClinVar (database versions not stated): gnomAD exomes below 0.00001; TOPMed below 0.00001.

Submission:

Labcorp Genetics (formerly Invitae), Labcorp
Classification: Uncertain significance for Nemaline myopathy 2. Last evaluated: 2021-08-25. Review status: criteria provided, single submitter. Criteria: Invitae Variant Classification Sherloc (09022015). Collection method: clinical testing. Allele origin: germline.
Comment: This sequence change replaces threonine with isoleucine at codon 1627 of the NEB protein (p.Thr1627Ile). The threonine residue is moderately conserved and there is a moderate physicochemical difference between threonine and isoleucine. This variant is not present in population databases (ExAC no frequency). This variant has not been reported in the literature in individuals affected with NEB-related conditions. Algorithms developed to predict the effect of missense changes on protein structure and function output the following: SIFT: "Deleterious"; PolyPhen-2: "Not Available"; Align-GVGD: "Class C0". The isoleucine amino acid residue is found in multiple mammalian species, which suggests that this missense change does not adversely affect protein function. In summary, the available evidence is currently insufficient to determine the role of this variant in disease. Therefore, it has been classified as a Variant of Uncertain Significance.

NM_001164508.2(NEB):c.4880C>T (p.Thr1627Ile)

Gene: NEB (nebulin; minus strand). Cytogenetic location: 2q23.3.
Variant type: single nucleotide variant.
Coding change: c.4880C>T on transcript NM_001164508.2 (MANE Select); coding-DNA position 4880, C replaced by T.
Protein change: p.Thr1627Ile; replaces threonine 1627 with isoleucine.
Molecular consequence: missense variant.
Genome position (GRCh38, 1-based): chr2:151,666,241, G>A on the plus strand (C>T on the coding strand, the complement: NEB is on the minus strand). VCF-style: chr2-151666241-G-A. GRCh37 (hg19) VCF-style: chr2-152522755-G-A.
Other names: c.4880C>T, p.Thr1627Ile (NM_001164507.2, NM_001271208.2, NM_004543.5); short protein forms T1627I.
Identifiers: ClinVar variation 1377549 (VCV001377549.1), dbSNP rs1651215974, ClinGen allele CA348813547.